The following is an entry in ClinVar:

NM_001397406.1(FDX2):c.498G>T (p.Leu166=)

Genes: FDX2 (ferredoxin 2; minus strand), FDX2-ZGLP1 (FDX2-ZGLP1 readthrough (NMD candidate); minus strand). Cytogenetic location: 19p13.2.
Variant type: single nucleotide variant.
Coding change: c.498G>T on transcript NM_001397406.1 (MANE Select); coding-DNA position 498, G replaced by T.
Protein change: p.Leu166=; no amino-acid change (leucine 166 retained).
Molecular consequence: synonymous variant. On other transcripts: non-coding transcript variant (2).
Genome position (GRCh38, 1-based): chr19:10,310,540, C>A on the plus strand (G>T on the coding strand, the complement: FDX2 is on the minus strand). VCF-style: chr19-10310540-C-A. GRCh37 (hg19) VCF-style: chr19-10421216-C-A.
Other names: p.Leu169=; c.507G>T (NM_001031734.4).
Identifiers: ClinVar variation 383056 (VCV000383056.14), dbSNP rs1048941, ClinGen allele CA9191176.

ClinVar aggregate classification (germline): Benign. Review status: criteria provided, multiple submitters, no conflicts (2 of 4 stars). 4 submissions from 4 submitters: Benign (4). Last evaluated 2026-02-02.

Allele frequency attached by ClinVar (database versions not stated): gnomAD exomes 0.00226 and 0.00589; ExAC 0.00702; 1000 Genomes Project 0.02196; gnomAD 0.02301 and 0.02480; 1000 Genomes Project 30x 0.02436; TOPMed 0.02600; ESP Exome Variant Server 0.02683.
gnomAD v4.1: 6,901 of 1,614,128 alleles (0.43%); highest among the groups gnomAD compares: African/African-American, 8.1%; 253 homozygotes.

Submissions (4):

Labcorp Genetics (formerly Invitae), Labcorp
Classification: Benign. Last evaluated: 2026-02-02. Review status: criteria provided, single submitter. Criteria: Invitae Variant Classification Sherloc (09022015). Collection method: clinical testing. Allele origin: germline.

Mayo Clinic Laboratories, Mayo Clinic
Classification: Benign. Last evaluated: 2023-06-19. Review status: criteria provided, single submitter. Criteria: ACMG Guidelines, 2015. Collection method: clinical testing. Allele origin: germline. Observed: 21 variant alleles.

GeneDx
Classification: Benign. Last evaluated: 2016-03-24. Review status: criteria provided, single submitter. Criteria: GeneDx Variant Classification (06012015). Collection method: clinical testing. Allele origin: germline. Affected: yes.
Comment: This variant is considered likely benign or benign based on one or more of the following criteria: it is a conservative change, it occurs at a poorly conserved position in the protein, it is predicted to be benign by multiple in silico algorithms, and/or has population frequency not consistent with disease.

Breakthrough Genomics
Classification: Benign. Review status: criteria provided, single submitter. Criteria: ACMG Guidelines, 2015. Collection method: not provided. Allele origin: germline. Inheritance: Autosomal recessive inheritance. Affected: yes.